The following is an entry in ClinVar:

ClinVar aggregate classification (germline): Uncertain significance. Review status: criteria provided, multiple submitters, no conflicts (2 of 4 stars). 2 submissions from 2 submitters: Uncertain significance (2). Last evaluated 2025-03-19.

Conditions:
Familial meningioma. Also called: Meningioma, familial, susceptibility to. Identifiers: Orphanet 263662, MedGen C3551915, MONDO:0011789, OMIM 607174.
Hereditary cancer-predisposing syndrome. Also called: Neoplastic Syndromes, Hereditary; Tumor predisposition; Hereditary neoplastic syndrome; Hereditary Cancer Syndrome. Identifiers: Orphanet 140162, MedGen C0027672, MeSH D009386, MONDO:0015356.

Allele frequency attached by ClinVar (database versions not stated): gnomAD exomes below 0.00001; ExAC 0.00001.
gnomAD v4.1: 1 of 1,611,004 alleles (0.000062%); highest among the groups gnomAD compares: Admixed American, 0.0017%; no homozygotes.

Submissions (2):

Labcorp Genetics (formerly Invitae), Labcorp
Classification: Uncertain significance for Familial meningioma. Last evaluated: 2025-03-19. Review status: criteria provided, single submitter. Criteria: Invitae Variant Classification Sherloc (09022015). Collection method: clinical testing. Allele origin: germline.
Comment: This sequence change replaces valine, which is neutral and non-polar, with isoleucine, which is neutral and non-polar, at codon 236 of the SMARCE1 protein (p.Val236Ile). This variant is present in population databases (rs745924628, gnomAD 0.003%). This variant has not been reported in the literature in individuals affected with SMARCE1-related conditions. ClinVar contains an entry for this variant (Variation ID: 643993). Invitae Evidence Modeling of protein sequence and biophysical properties (such as structural, functional, and spatial information, amino acid conservation, physicochemical variation, residue mobility, and thermodynamic stability) indicates that this missense variant is expected to disrupt SMARCE1 protein function with a positive predictive value of 80%. In summary, the available evidence is currently insufficient to determine the role of this variant in disease. Therefore, it has been classified as a Variant of Uncertain Significance.

Ambry Genetics
Classification: Uncertain significance for Hereditary cancer-predisposing syndrome. Last evaluated: 2022-10-03. Review status: criteria provided, single submitter. Criteria: Ambry Variant Classification Scheme 2023. Collection method: clinical testing. Allele origin: germline.
Comment: The p.V236I variant (also known as c.706G>A), located in coding exon 7 of the SMARCE1 gene, results from a G to A substitution at nucleotide position 706. The valine at codon 236 is replaced by isoleucine, an amino acid with highly similar properties. In addition, this alteration is predicted to be tolerated by in silico analysis. Missense and in-frame variants in SMARCE1 are known to cause neurodevelopmental disorders; however, such associations with increased risk of meningiomas are exceedingly rare (Kosho T et al. Am J Med Genet C Semin Med Genet. 2014 Sep;166C(3):262-75; Smith JM et al. Nat Genet. 2013 Mar;45(3):295-8). Based on the supporting evidence, the association of this alteration with Coffin-Siris syndrome is unknown; however, the association of this alteration with an increased risk of meningiomas is unlikely.

NM_003079.5(SMARCE1):c.706G>A (p.Val236Ile)

Gene: SMARCE1 (SWI/SNF related BAF chromatin remodeling complex subunit E1; minus strand). Cytogenetic location: 17q21.2.
Variant type: single nucleotide variant.
Coding change: c.706G>A on transcript NM_003079.5 (MANE Select); coding-DNA position 706, G replaced by A.
Protein change: p.Val236Ile; replaces valine 236 with isoleucine.
Molecular consequence: missense variant.
Genome position (GRCh38, 1-based): chr17:40,632,203, C>T on the plus strand (G>A on the coding strand, the complement: SMARCE1 is on the minus strand). VCF-style: chr17-40632203-C-T. GRCh37 (hg19) VCF-style: chr17-38788455-C-T.
Other names: short protein forms V236I.
Identifiers: ClinVar variation 643993 (VCV000643993.11), dbSNP rs745924628, ClinGen allele CA8545198.
Genomic context (GRCh38, chr17:40,632,203, plus strand): 5'-GGGATTTGTGGTATAGGCACATCTTATTGAAATGAATGTTTTATGACTTTACCTGATGAA[C>T]CATTAAGGACTGGACCTGCCGTTTGAGGACCTGCATTCTAGCTGTTGTGACAACTGACCG-3'
Protein context (NP_003070.3, residues 226-246): VLKRQVQSLM[Val236Ile]HQRKLEAELL